The following is an entry in ClinVar:

NM_015602.4(TOR1AIP1):c.1319G>A (p.Arg440His)

Gene: TOR1AIP1 (torsin 1A interacting protein 1; plus strand). Cytogenetic location: 1q25.2.
Variant type: single nucleotide variant.
Coding change: c.1319G>A on transcript NM_015602.4 (MANE Select); coding-DNA position 1319, G replaced by A.
Protein change: p.Arg440His; replaces arginine 440 with histidine.
Molecular consequence: missense variant.
Genome position (GRCh38, 1-based): chr1:179,917,806, G>A. VCF-style: chr1-179917806-G-A. GRCh37 (hg19) VCF-style: chr1-179886941-G-A.
Other names: c.1322G>A, p.Arg441His (NM_001267578.2); c.1319G>A (NM_015602.2); short protein forms R440H, R441H.
Identifiers: ClinVar variation 642712 (VCV000642712.15), dbSNP rs145065164, ClinGen allele CA1269126.
Genomic context (GRCh38, chr1:179,917,806, plus strand): 5'-AAGCACTTAGGTGTCTGAGTGAACAAATTGCTGATGCCTATTCTTCTTTTCGTAGTGTCC[G>A]TGCCATCCGGATTGATGGGACAGATAAAGCTACTCAAGACAGTGATACTGTCAAACTAGA-3'
Protein context (NP_056417.2, residues 430-450): ADAYSSFRSV[Arg440His]AIRIDGTDKA

ClinVar aggregate classification (germline): Uncertain significance. Review status: criteria provided, multiple submitters, no conflicts (2 of 4 stars). 5 submissions from 5 submitters: Uncertain significance (5). Last evaluated 2025-03-17.

Conditions:
Inborn genetic diseases. Identifiers: MedGen C0950123, MeSH D030342.
Autosomal recessive limb-girdle muscular dystrophy type 2Y (MRRSDC). Also called: Muscular dystrophy, limb-girdle, type 2y; Muscular dystrophy, autosomal recessive, with rigid spine and distal joint contractures. Identifiers: Orphanet 424261, MedGen C4511482, MONDO:0014900, OMIM 617072.

Allele frequency attached by ClinVar (database versions not stated): gnomAD 0.00008 and 0.00009; gnomAD exomes 0.00006 and 0.00010; ESP Exome Variant Server 0.00015; TOPMed 0.00007; ExAC 0.00008.
gnomAD v4.1: 115 of 1,614,040 alleles (0.0071%); highest among the groups gnomAD compares: Admixed American, 0.015%; 2 homozygotes.

Submissions (5):

GeneDx
Classification: Uncertain significance. Last evaluated: 2025-03-17. Review status: criteria provided, single submitter. Criteria: GeneDx Variant Classification Process June 2021. Collection method: clinical testing. Allele origin: germline. Affected: yes.
Comment: In silico analysis indicates that this missense variant does not alter protein structure/function; Has not been previously published as pathogenic or benign to our knowledge

Genome-Nilou Lab
Classification: Uncertain significance for Autosomal recessive limb-girdle muscular dystrophy type 2Y. Last evaluated: 2023-04-11. Review status: criteria provided, single submitter. Criteria: ACMG Guidelines, 2015. Collection method: clinical testing. Allele origin: germline. Affected: no.

Ambry Genetics
Classification: Uncertain significance for Inborn genetic diseases. Last evaluated: 2023-02-23. Review status: criteria provided, single submitter. Criteria: Ambry Variant Classification Scheme 2023. Collection method: clinical testing. Allele origin: germline.

Labcorp Genetics (formerly Invitae), Labcorp
Classification: Uncertain significance for Autosomal recessive limb-girdle muscular dystrophy type 2Y. Last evaluated: 2022-07-07. Review status: criteria provided, single submitter. Criteria: Invitae Variant Classification Sherloc (09022015). Collection method: clinical testing. Allele origin: germline.
Comment: This sequence change replaces arginine, which is basic and polar, with histidine, which is basic and polar, at codon 441 of the TOR1AIP1 protein (p.Arg441His). This variant is present in population databases (rs145065164, gnomAD 0.2%). This variant has not been reported in the literature in individuals affected with TOR1AIP1-related conditions. ClinVar contains an entry for this variant (Variation ID: 642712). Algorithms developed to predict the effect of missense changes on protein structure and function (SIFT, PolyPhen-2, Align-GVGD) all suggest that this variant is likely to be tolerated. In summary, the available evidence is currently insufficient to determine the role of this variant in disease. Therefore, it has been classified as a Variant of Uncertain Significance.

Revvity Omics, Revvity
Classification: Uncertain significance. Last evaluated: 2019-12-09. Review status: criteria provided, single submitter. Criteria: ACMG Guidelines, 2015. Collection method: clinical testing. Allele origin: germline.